The following is an entry in ClinVar:

NM_000466.3(PEX1):c.3447A>T (p.Gln1149His)

Genes: PEX1 (peroxisomal biogenesis factor 1; minus strand), GATAD1 (GATA zinc finger domain containing 1; plus strand). Cytogenetic location: 7q21.2.
Variant type: single nucleotide variant.
Coding change: c.3447A>T on transcript NM_000466.3 (MANE Select); coding-DNA position 3447, A replaced by T.
Protein change: p.Gln1149His; replaces glutamine 1149 with histidine.
Molecular consequence: missense variant.
Genome position (GRCh38, 1-based): chr7:92,489,903, T>A on the plus strand (A>T on the coding strand, the complement: PEX1 is on the minus strand). VCF-style: chr7-92489903-T-A. GRCh37 (hg19) VCF-style: chr7-92119217-T-A.
Other names: c.3276A>T, p.Gln1092His (NM_001282677.2); c.2823A>T, p.Gln941His (NM_001282678.2); short protein forms Q941H, Q1092H, Q1149H.
Identifiers: ClinVar variation 1376016 (VCV001376016.3), dbSNP rs781059210, ClinGen allele CA4340814.
Genomic context (GRCh38, chr7:92,489,903, plus strand): 5'-CTGGTCTTTCCCAGGAACTCCAGGCAAATCCTGAGTCATGGAGCTTGGTGCAGAGAGACA[T>A]TGTGAGCTCTGCATGGTAAATTGTAGTAATGAAAGATGGAAGGAAGAGGGGGAGAGAAAA-3'
Protein context (NP_000457.1, residues 1139-1159): GNGTSSDLSS[Gln1149His]CLSAPSSMTQ

ClinVar aggregate classification (germline): Uncertain significance (1 of 4 stars; one submission).

Conditions:
Zellweger spectrum disorders (ZS). Also called: Zellweger syndrome; Zellweger Spectrum Disorder; Zellweger Spectrum; Zellweger Spectrum Disorder (ZSD). Identifiers: Orphanet 912, MedGen C0043459, MONDO:0019609.

Allele frequency attached by ClinVar (database versions not stated): gnomAD exomes below 0.00001; ExAC 0.00001.
gnomAD v4.1: 4 of 1,613,042 alleles (0.00025%); highest among the groups gnomAD compares: Non-Finnish European, 0.00034%; no homozygotes.

Submission:

Labcorp Genetics (formerly Invitae), Labcorp
Classification: Uncertain significance for Zellweger spectrum disorders. Last evaluated: 2021-10-16. Review status: criteria provided, single submitter. Criteria: Invitae Variant Classification Sherloc (09022015). Collection method: clinical testing. Allele origin: germline.
Comment: This sequence change replaces glutamine with histidine at codon 1149 of the PEX1 protein (p.Gln1149His). The glutamine residue is weakly conserved and there is a small physicochemical difference between glutamine and histidine. This variant is present in population databases (rs781059210, ExAC 0.002%). This variant has not been reported in the literature in individuals with PEX1-related conditions. Advanced modeling of protein sequence and biophysical properties (such as structural, functional, and spatial information, amino acid conservation, physicochemical variation, residue mobility, and thermodynamic stability) performed at Invitae indicates that this missense variant is not expected to disrupt PEX1 protein function. In summary, the available evidence is currently insufficient to determine the role of this variant in disease. Therefore, it has been classified as a Variant of Uncertain Significance.